The following is an entry in ClinVar:

ClinVar aggregate classification (germline): Conflicting classifications of pathogenicity. Review status: criteria provided, conflicting classifications (1 of 4 stars). 5 submissions from 3 submitters: Uncertain significance (3); Likely benign (2). Last evaluated 2025-10-24.

Conditions:
RYR1-related disorder. Also called: RYR1-related disorders; RYR1-related condition. Identifiers: MedGen CN239331.
Malignant hyperthermia, susceptibility to, 1 (MHS1). Also called: RYR1-Related Malignant Hyperthermia Susceptibility; Anesthesia related hyperthermia; Malignant hyperpyrexia; Fulminating hyperpyrexia; Pharmacogenic myopathy; Malignant hyperthermia suceptibility 1. Identifiers: Orphanet 423, MedGen C2930980, MONDO:0007783, OMIM 145600.
Central core myopathy (CMYO1A). Also called: Central core disease; Myopathy, central fibrillar; CONGENITAL MYOPATHY 1A, AUTOSOMAL DOMINANT, WITH SUSCEPTIBILITY TO MALIGNANT HYPERTHERMIA. Identifiers: Orphanet 597, MedGen C5830701, MONDO:0007294, OMIM 117000.
Congenital multicore myopathy with external ophthalmoplegia (CMYO1B). Also called: MULTIMINICORE DISEASE WITH EXTERNAL OPHTHALMOPLEGIA; MULTICORE MYOPATHY; Congenital myopathy 1B, autosomal recessive; Minicore myopathy; Minicore myopathy with external ophthalmoplegia. Identifiers: Orphanet 598, Orphanet 98905, MedGen C1850674, MONDO:0009712, OMIM 255320, HP:0003789.

Allele frequency attached by ClinVar (database versions not stated): ExAC 0.00002; gnomAD exomes 0.00003 and 0.00005; gnomAD 0.00005 and 0.00006; TOPMed 0.00006.
gnomAD v4.1: 80 of 1,608,028 alleles (0.005%); highest among the groups gnomAD compares: Non-Finnish European, 0.0065%; no homozygotes.

Submissions (5):

Labcorp Genetics (formerly Invitae), Labcorp
Classification: Likely benign for RYR1-related disorder. Last evaluated: 2025-10-24. Review status: criteria provided, single submitter. Criteria: Invitae Variant Classification Sherloc (09022015). Collection method: clinical testing. Allele origin: germline.

Illumina Laboratory Services, Illumina
Classification: Uncertain significance for Central core myopathy. Last evaluated: 2017-04-27. Review status: criteria provided, single submitter. Criteria: ICSL Variant Classification Criteria 13 December 2019. Collection method: clinical testing. Allele origin: germline.

Illumina Laboratory Services, Illumina
Classification: Uncertain significance for Congenital multicore myopathy with external ophthalmoplegia. Last evaluated: 2017-04-27. Review status: criteria provided, single submitter. Criteria: ICSL Variant Classification Criteria 13 December 2019. Collection method: clinical testing. Allele origin: germline.

Illumina Laboratory Services, Illumina
Classification: Uncertain significance for Malignant hyperthermia, susceptibility to, 1. Last evaluated: 2017-04-27. Review status: criteria provided, single submitter. Criteria: ICSL Variant Classification Criteria 13 December 2019. Collection method: clinical testing. Allele origin: germline.

GeneDx
Classification: Likely benign. Last evaluated: 2016-03-22. Review status: criteria provided, single submitter. Criteria: GeneDx Variant Classification (06012015). Collection method: clinical testing. Allele origin: germline. Affected: yes.
Comment: This variant is considered likely benign or benign based on one or more of the following criteria: it is a conservative change, it occurs at a poorly conserved position in the protein, it is predicted to be benign by multiple in silico algorithms, and/or has population frequency not consistent with disease.

NM_000540.3(RYR1):c.4620+13C>T

Gene: RYR1 (ryanodine receptor 1; plus strand). Cytogenetic location: 19q13.2.
Variant type: single nucleotide variant.
Coding change: c.4620+13C>T on transcript NM_000540.3 (MANE Select); 13 bases into the intron after coding-DNA position 4620, C replaced by T.
Molecular consequence: intron variant.
Genome position (GRCh38, 1-based): chr19:38,478,613, C>T. VCF-style: chr19-38478613-C-T. GRCh37 (hg19) VCF-style: chr19-38969253-C-T.
Other names: c.4620+13C>T (NM_001042723.2).
Identifiers: ClinVar variation 384647 (VCV000384647.12), dbSNP rs201971363, ClinGen allele CA066238.